The following is an entry in ClinVar:

ClinVar aggregate classification (germline): Conflicting classifications of pathogenicity. Review status: criteria provided, conflicting classifications (1 of 4 stars). 5 submissions from 5 submitters: Uncertain significance (3); Benign (1); Likely benign (1). Last evaluated 2025-07-02.

Conditions:
Familial melanoma. Also called: Hereditary melanoma; Hereditary cutaneous melanoma. Identifiers: Orphanet 618, MedGen C1512419, MONDO:0018961.
Hereditary cancer-predisposing syndrome. Also called: Neoplastic Syndromes, Hereditary; Hereditary Cancer Syndrome; Tumor predisposition; Hereditary neoplastic syndrome. Identifiers: Orphanet 140162, MedGen C0027672, MeSH D009386, MONDO:0015356.
Melanoma, cutaneous malignant, susceptibility to, 3. Also called: Cutaneous malignant melanoma 3. Identifiers: Orphanet 618, MedGen C1836892, MONDO:0012183, OMIM 609048.

Allele frequency attached by ClinVar (database versions not stated): gnomAD exomes below 0.00001 and 0.00001; TOPMed below 0.00001.
gnomAD v4.1: 19 of 1,614,076 alleles (0.0012%); highest among the groups gnomAD compares: Non-Finnish European, 0.0016%; no homozygotes.

Submissions (5):

Ambry Genetics
Classification: Uncertain significance for Hereditary cancer-predisposing syndrome. Last evaluated: 2025-07-02. Review status: criteria provided, single submitter. Criteria: Ambry Variant Classification Scheme 2023. Collection method: clinical testing. Allele origin: germline.
Comment: The c.48C>G variant (also known as p.A16A) is located in coding exon 1 of the CDK4 gene. This variant results from a C to G substitution at nucleotide position 48. This nucleotide substitution does not change the amino acid at codon 16. This nucleotide position is not well conserved in available vertebrate species. In silico splice site analysis predicts that this alteration may result in the creation or strengthening of a novel splice donor site. Based on the available evidence, the clinical significance of this variant remains unclear.

Myriad Genetics, Inc.
Classification: Benign for Melanoma, cutaneous malignant, susceptibility to, 3. Last evaluated: 2024-09-24. Review status: criteria provided, single submitter. Criteria: Myriad Autosomal Dominant, Autosomal Recessive and X-Linked Classification Criteria (2023). Collection method: clinical testing. Allele origin: unknown.
Comment: This variant is considered benign. This variant is a silent/synonymous amino acid change and it is not expected to impact splicing.

Labcorp Genetics (formerly Invitae), Labcorp
Classification: Likely benign for Familial melanoma. Last evaluated: 2024-05-02. Review status: criteria provided, single submitter. Criteria: Invitae Variant Classification Sherloc (09022015). Collection method: clinical testing. Allele origin: germline.

Quest Diagnostics Nichols Institute San Juan Capistrano
Classification: Uncertain significance. Last evaluated: 2023-08-31. Review status: criteria provided, single submitter. Criteria: Quest Diagnostics criteria. Collection method: clinical testing. Allele origin: unknown.
Comment: In the published literature, this variant has been reported as a somatic variant in an oncocytic kidney tumor (PMID: 36816543 (2023)). The frequency of this variant in the general population, 0.000024 (1/42212 chromosomes (Genome Aggregation Database)), is uninformative in the assessment of its pathogenicity. Analysis of this variant using software algorithms for the prediction of the effect of nucleotide changes on CDK4 mRNA splicing yielded predictions that this variant may result in the gain of a cryptic splice site without affecting the natural splice sites . Based on the available information, we are unable to determine the clinical significance of this variant.

GeneDx
Classification: Uncertain significance. Last evaluated: 2019-08-28. Review status: criteria provided, single submitter. Criteria: GeneDx Variant Classification Process June 2021. Collection method: clinical testing. Allele origin: germline. Affected: yes.
Comment: Not observed at a significant frequency in large population cohorts (Lek 2016); Has not been previously published as pathogenic or benign to our knowledge; In silico analysis, which includes splice predictors and evolutionary conservation, suggests this variant may impact gene splicing. In the absence of RNA/functional studies, the actual effect of this sequence change is unknown.

Literature cited by the submitters: PubMed 36816543 (cited by Quest Diagnostics Nichols Institute San Juan Capistrano).

NM_000075.4(CDK4):c.48C>G (p.Ala16=)

Gene: CDK4 (cyclin dependent kinase 4; minus strand). Cytogenetic location: 12q14.1.
Variant type: single nucleotide variant.
Coding change: c.48C>G on transcript NM_000075.4 (MANE Select); coding-DNA position 48, C replaced by G.
Protein change: p.Ala16=; no amino-acid change (alanine 16 retained).
Molecular consequence: synonymous variant.
Genome position (GRCh38, 1-based): chr12:57,751,670, G>C on the plus strand (C>G on the coding strand, the complement: CDK4 is on the minus strand). VCF-style: chr12-57751670-G-C. GRCh37 (hg19) VCF-style: chr12-58145453-G-C.
Identifiers: ClinVar variation 581775 (VCV000581775.14), dbSNP rs1311074831, ClinGen allele CA480404928.